The following is an entry in ClinVar:

NM_000059.4(BRCA2):c.1545T>G (p.Thr515=)

Gene: BRCA2 (BRCA2 DNA repair associated; plus strand). Cytogenetic location: 13q13.1.
Variant type: single nucleotide variant.
Coding change: c.1545T>G on transcript NM_000059.4 (MANE Select); coding-DNA position 1545, T replaced by G.
Protein change: p.Thr515=; no amino-acid change (threonine 515 retained).
Molecular consequence: synonymous variant.
Genome position (GRCh38, 1-based): chr13:32,333,023, T>G. VCF-style: chr13-32333023-T-G. GRCh37 (hg19) VCF-style: chr13-32907160-T-G.
Identifiers: ClinVar variation 630076 (VCV000630076.25), dbSNP rs786202158, ClinGen allele CA483436895.

ClinVar aggregate classification (germline): Likely benign. Review status: criteria provided, multiple submitters, no conflicts (2 of 4 stars). 7 submissions from 7 submitters: Likely benign (7). Last evaluated 2025-03-04.

Conditions:
Hereditary cancer-predisposing syndrome. Also called: Tumor predisposition; Neoplastic Syndromes, Hereditary; Hereditary Cancer Syndrome; Hereditary neoplastic syndrome. Identifiers: Orphanet 140162, MedGen C0027672, MeSH D009386, MONDO:0015356.
Hereditary breast ovarian cancer syndrome. Also called: Hereditary breast and ovarian cancer; Hereditary breast and ovarian cancer syndrome (HBOC); Hereditary breast and/or ovarian cancer syndrome; Hereditary breast and ovarian cancer syndrome; Breast and ovarian cancer; BRCA1- and BRCA2-Associated Hereditary Breast and Ovarian Cancer. Identifiers: Orphanet 145, MedGen C0677776, MeSH D061325, MONDO:0003582. Disease mechanism: loss of function.
Breast-ovarian cancer, familial, susceptibility to, 2 (BROVCA2). Also called: BRCA2 Hereditary Breast and Ovarian Cancer. Identifiers: Orphanet 145, MedGen C2675520, MONDO:0012933, OMIM 612555. Disease mechanism: loss of function.

gnomAD v4.1: 1 of 1,595,944 alleles (0.000063%); highest among the groups gnomAD compares: Non-Finnish European, 0.000085%; no homozygotes.

Submissions (7):

Center for Genomic Medicine, Rigshospitalet, Copenhagen University Hospital
Classification: Likely benign. Last evaluated: 2025-03-04. Review status: criteria provided, single submitter. Criteria: ACMG Guidelines, 2015. Collection method: clinical testing. Allele origin: germline.

Labcorp Genetics (formerly Invitae), Labcorp
Classification: Likely benign for Hereditary breast ovarian cancer syndrome. Last evaluated: 2024-02-23. Review status: criteria provided, single submitter. Criteria: Invitae Variant Classification Sherloc (09022015). Collection method: clinical testing. Allele origin: germline.

All of Us Research Program, National Institutes of Health
Classification: Likely benign for Breast-ovarian cancer, familial, susceptibility to, 2. Last evaluated: 2023-08-15. Review status: criteria provided, single submitter. Criteria: ACMG Guidelines, 2015. Collection method: clinical testing. Allele origin: germline. Inheritance: Autosomal dominant inheritance. Observed: 2 variant alleles, 2 heterozygotes.
Comment: This study involves interpretation of variants in research participants for the purpose of population health screening. Participant phenotype was not available at the time of variant classification. Additional details can be found in publication PMID: 35346344, PMCID: PMC8962531

Ambry Genetics
Classification: Likely benign for Hereditary cancer-predisposing syndrome. Last evaluated: 2020-01-29. Review status: criteria provided, single submitter. Criteria: Ambry Variant Classification Scheme 2023. Collection method: clinical testing. Allele origin: germline.

ARUP Laboratories, Molecular Genetics and Genomics, ARUP Laboratories
Classification: Likely benign. Last evaluated: 2019-03-13. Review status: criteria provided, single submitter. Criteria: ARUP Molecular Germline Variant Investigation Process. Collection method: clinical testing. Allele origin: germline.

GeneDx
Classification: Likely benign. Last evaluated: 2018-06-15. Review status: criteria provided, single submitter. Criteria: GeneDx Variant Classification (06012015). Collection method: clinical testing. Allele origin: germline. Affected: yes.
Comment: This variant is considered likely benign or benign based on one or more of the following criteria: it is a conservative change, it occurs at a poorly conserved position in the protein, it is predicted to be benign by multiple in silico algorithms, and/or has population frequency not consistent with disease.

Color Diagnostics, LLC DBA Color Health
Classification: Likely benign for Hereditary cancer-predisposing syndrome. Last evaluated: 2017-01-09. Review status: criteria provided, single submitter. Criteria: ACMG Guidelines, 2015. Collection method: clinical testing. Allele origin: germline.